The following is an entry in ClinVar:

NM_006662.3(SRCAP):c.191C>T (p.Pro64Leu)

Gene: SRCAP (Snf2 related CREBBP activator protein; plus strand). Cytogenetic location: 16p11.2.
Variant type: single nucleotide variant.
Coding change: c.191C>T on transcript NM_006662.3 (MANE Select); coding-DNA position 191, C replaced by T.
Protein change: p.Pro64Leu; replaces proline 64 with leucine.
Molecular consequence: missense variant.
Genome position (GRCh38, 1-based): chr16:30,704,200, C>T. VCF-style: chr16-30704200-C-T. GRCh37 (hg19) VCF-style: chr16-30715521-C-T.
Other names: short protein forms P64L.
Identifiers: ClinVar variation 4740487 (VCV004740487.1).

ClinVar aggregate classification (germline): Uncertain significance (1 of 4 stars; one submission).

gnomAD v4.1: 1 of 1,614,220 alleles (0.000062%); highest among the groups gnomAD compares: Non-Finnish European, 0.000085%; no homozygotes.

Submission:

Labcorp Genetics (formerly Invitae), Labcorp
Classification: Uncertain significance. Last evaluated: 2025-03-04. Review status: criteria provided, single submitter. Criteria: Invitae Variant Classification Sherloc (09022015). Collection method: clinical testing. Allele origin: germline.
Comment: This sequence change replaces proline, which is neutral and non-polar, with leucine, which is neutral and non-polar, at codon 64 of the SRCAP protein (p.Pro64Leu). This variant is not present in population databases (gnomAD no frequency). This variant has not been reported in the literature in individuals affected with SRCAP-related conditions. Invitae Evidence Modeling of protein sequence and biophysical properties (such as structural, functional, and spatial information, amino acid conservation, physicochemical variation, residue mobility, and thermodynamic stability) indicates that this missense variant is not expected to disrupt SRCAP protein function with a negative predictive value of 80%. In summary, the available evidence is currently insufficient to determine the role of this variant in disease. Therefore, it has been classified as a Variant of Uncertain Significance.